The following is an entry in ClinVar:

ClinVar aggregate classification (germline): Uncertain significance (1 of 4 stars; one submission).

Conditions:
Very long chain acyl-CoA dehydrogenase deficiency (ACADVLD). Also called: VLCAD Deficiency; Very Long-Chain Acyl-Coenzyme A Dehydrogenase Deficiency. Identifiers: Orphanet 26793, MedGen C3887523, MONDO:0008723, OMIM 201475.

gnomAD v4.1: 5 of 1,613,970 alleles (0.00031%); highest among the groups gnomAD compares: Non-Finnish European, 0.000085%; no homozygotes.

Submission:

Labcorp Genetics (formerly Invitae), Labcorp
Classification: Uncertain significance for Very long chain acyl-CoA dehydrogenase deficiency. Last evaluated: 2022-03-18. Review status: criteria provided, single submitter. Criteria: Invitae Variant Classification Sherloc (09022015). Collection method: clinical testing. Allele origin: germline.
Comment: This sequence change replaces arginine, which is basic and polar, with lysine, which is basic and polar, at codon 587 of the ACADVL protein (p.Arg587Lys). This variant is not present in population databases (gnomAD no frequency). This variant has not been reported in the literature in individuals affected with ACADVL-related conditions. Algorithms developed to predict the effect of missense changes on protein structure and function (SIFT, PolyPhen-2, Align-GVGD) all suggest that this variant is likely to be tolerated. In summary, the available evidence is currently insufficient to determine the role of this variant in disease. Therefore, it has been classified as a Variant of Uncertain Significance.

NM_000018.4(ACADVL):c.1760G>A (p.Arg587Lys)

Gene: ACADVL (acyl-CoA dehydrogenase very long chain; plus strand). Cytogenetic location: 17p13.1.
Variant type: single nucleotide variant.
Coding change: c.1760G>A on transcript NM_000018.4 (MANE Select); coding-DNA position 1760, G replaced by A.
Protein change: p.Arg587Lys; replaces arginine 587 with lysine.
Molecular consequence: missense variant.
Genome position (GRCh38, 1-based): chr17:7,224,817, G>A. VCF-style: chr17-7224817-G-A. GRCh37 (hg19) VCF-style: chr17-7128136-G-A.
Other names: c.1694G>A, p.Arg565Lys (NM_001033859.3); c.1829G>A, p.Arg610Lys (NM_001270447.2); c.1532G>A, p.Arg511Lys (NM_001270448.2); short protein forms R511K, R587K, R565K, R610K.
Identifiers: ClinVar variation 2199503 (VCV002199503.2), dbSNP rs2508369948, ClinGen allele CA397725821.
Genomic context (GRCh38, chr17:7,224,817, plus strand): 5'-GGCCTGGATCCCAGCCGGCCCAGATTTATTTTCATCTCCTGCTTCCTGCCAGGGCCTCAA[G>A]ATCCCTGAGTGAGGGCCACCCCACGGCCCAGCATGAGAAAATGCTCTGTGACACCTGGTG-3'
Protein context (NP_000009.1, residues 577-597): AMVVVLSRAS[Arg587Lys]SLSEGHPTAQ